The following is an entry in ClinVar:

NM_000182.5(HADHA):c.387_388del (p.Lys129fs)

Gene: HADHA (hydroxyacyl-CoA dehydrogenase trifunctional multienzyme complex subunit alpha; minus strand). Cytogenetic location: 2p23.3.
Variant type: Deletion.
Coding change: c.387_388del on transcript NM_000182.5 (MANE Select); coding-DNA positions 387 to 388, 2 bases deleted (AC; older notation c.387_388delAC).
Protein change: p.Lys129fs; shifts the reading frame from lysine 129.
Molecular consequence: frameshift variant.
Genome position (GRCh38, 1-based): chr2:26,234,282-26,234,283, GT deleted on the plus strand (AC on the coding strand, the reverse complement: HADHA is on the minus strand). VCF-style (leftmost placement, unchanged base first): chr2-26234281-AGT-A. GRCh37 (hg19) VCF-style: chr2-26457149-AGT-A.
Other names: short protein forms K129fs.
Identifiers: ClinVar variation 1452699 (VCV001452699.6), dbSNP rs780350631, ClinGen allele CA1559893.

ClinVar aggregate classification (germline): Pathogenic (1 of 4 stars; one submission).

Conditions:
Mitochondrial trifunctional protein deficiency. Identifiers: Orphanet 746, MedGen C1969443, MONDO:0012172.
Long chain 3-hydroxyacyl-CoA dehydrogenase deficiency. Also called: LCHAD Deficiency; Deficiency of long-chain 3-hydroxyacyl-coenzyme A dehydrogenase. Identifiers: Orphanet 5, MedGen C3711645, MONDO:0012173, OMIM 609016.

Allele frequency attached by ClinVar (database versions not stated): gnomAD exomes below 0.00001; ExAC 0.00001; ESP Exome Variant Server 0.00008.

Submission:

Labcorp Genetics (formerly Invitae), Labcorp
Classification: Pathogenic for Mitochondrial trifunctional protein deficiency; Long chain 3-hydroxyacyl-CoA dehydrogenase deficiency. Last evaluated: 2021-06-05. Review status: criteria provided, single submitter. Criteria: Invitae Variant Classification Sherloc (09022015). Collection method: clinical testing. Allele origin: germline.
Comment: This sequence change creates a premature translational stop signal (p.Lys129Asnfs*2) in the HADHA gene. It is expected to result in an absent or disrupted protein product. Loss-of-function variants in HADHA are known to be pathogenic (PMID: 7738175, 21103935, 21549624, 22459206). The frequency data for this variant in the population databases is considered unreliable, as metrics indicate poor data quality at this position in the ExAC database. This variant has not been reported in the literature in individuals with HADHA-related conditions. For these reasons, this variant has been classified as Pathogenic.

Literature cited by the submitters: PubMed 7738175; PubMed 21103935; PubMed 21549624; PubMed 22459206.